The following is an entry in ClinVar:

ClinVar aggregate classification (germline): Uncertain significance (1 of 4 stars; one submission).

gnomAD v4.1: 66 of 1,612,926 alleles (0.0041%); highest among the groups gnomAD compares: South Asian, 0.07%; 1 homozygote.

Submission:

Labcorp Genetics (formerly Invitae), Labcorp
Classification: Uncertain significance. Last evaluated: 2024-07-02. Review status: criteria provided, single submitter. Criteria: Invitae Variant Classification Sherloc (09022015). Collection method: clinical testing. Allele origin: germline.
Comment: This sequence change replaces valine, which is neutral and non-polar, with leucine, which is neutral and non-polar, at codon 447 of the ZDBF2 protein (p.Val447Leu). This variant is present in population databases (rs767944305, gnomAD 0.09%), and has an allele count higher than expected for a pathogenic variant. This variant has not been reported in the literature in individuals affected with ZDBF2-related conditions. An algorithm developed to predict the effect of missense changes on protein structure and function (PolyPhen-2) suggests that this variant is likely to be tolerated. In summary, the available evidence is currently insufficient to determine the role of this variant in disease. Therefore, it has been classified as a Variant of Uncertain Significance.

NM_020923.3(ZDBF2):c.1339G>C (p.Val447Leu)

Gene: ZDBF2 (zinc finger DBF-type containing 2; plus strand). Cytogenetic location: 2q33.3.
Variant type: single nucleotide variant.
Coding change: c.1339G>C on transcript NM_020923.3 (MANE Select); coding-DNA position 1339, G replaced by C.
Protein change: p.Val447Leu; replaces valine 447 with leucine.
Molecular consequence: missense variant.
Genome position (GRCh38, 1-based): chr2:206,305,867, G>C. VCF-style: chr2-206305867-G-C. GRCh37 (hg19) VCF-style: chr2-207170591-G-C.
Other names: c.1333G>C, p.Val445Leu (NM_001285549.2); c.1339G>C, p.Val447Leu (NM_001369654.1); short protein forms V445L, V447L.
Identifiers: ClinVar variation 3711185 (VCV003711185.2).